The following is an entry in ClinVar:

ClinVar aggregate classification (germline): Uncertain significance (1 of 4 stars; one submission).

Conditions:
Myopathy, proximal, and ophthalmoplegia (CMYO6). Also called: MYOPATHY WITH CONGENITAL JOINT CONTRACTURES, OPHTHALMOPLEGIA, AND RIMMED VACUOLES; INCLUSION BODY MYOPATHY 3, AUTOSOMAL DOMINANT; CONGENITAL MYOPATHY 6 WITH OPHTHALMOPLEGIA. Identifiers: Orphanet 363677, Orphanet 79091, MedGen C1854106, MONDO:0011577, OMIM 605637.

Submission:

Labcorp Genetics (formerly Invitae), Labcorp
Classification: Uncertain significance for Myopathy, proximal, and ophthalmoplegia. Last evaluated: 2022-08-23. Review status: criteria provided, single submitter. Criteria: Invitae Variant Classification Sherloc (09022015). Collection method: clinical testing. Allele origin: germline.
Comment: In summary, the available evidence is currently insufficient to determine the role of this variant in disease. Therefore, it has been classified as a Variant of Uncertain Significance. Experimental studies and prediction algorithms are not available or were not evaluated, and the functional significance of this variant is currently unknown. This variant has not been reported in the literature in individuals affected with MYH2-related conditions. This variant is present in population databases (no rsID available, gnomAD 0.0009%). This variant, c.5287_5289del, results in the deletion of 1 amino acid(s) of the MYH2 protein (p.Lys1763del), but otherwise preserves the integrity of the reading frame.

NM_017534.6(MYH2):c.5284AAG[1] (p.Lys1763del)

Genes: MYH2 (myosin heavy chain 2; minus strand), MYHAS (myosin heavy chain gene cluster antisense RNA; plus strand). Cytogenetic location: 17p13.1.
Variant type: Microsatellite.
Coding change: c.5284AAG[1] on transcript NM_017534.6 (MANE Select); one copy of the 3-base unit AAG starting at c.5284; the reference has two copies in a row; one copy, 3 bases deleted.
Protein change: p.Lys1763del; deletes lysine 1763.
Molecular consequence: inframe deletion.
Genome position (GRCh38, 1-based): chr17:10,523,771-10,523,773, CTT deleted on the plus strand (AAG on the coding strand, the reverse complement: MYH2 is on the minus strand); deleting any 3 consecutive bases within chr17:10,523,771-10,523,776 gives the same sequence; the position shown is the placement nearest the transcript's 3' end. VCF-style (leftmost placement, unchanged base first): chr17-10523770-CCTT-C. GRCh37 (hg19) VCF-style: chr17-10427087-CCTT-C.
Other names: c.5284AAG[1], p.Lys1763del (NM_001100112.2); short protein forms K1763del.
Identifiers: ClinVar variation 2058662 (VCV002058662.4), dbSNP rs1344833303, ClinGen allele CA625028122.